The following is an entry in ClinVar:

ClinVar aggregate classification (germline): Uncertain significance (1 of 4 stars; one submission).

Conditions:
Hereditary cancer-predisposing syndrome. Also called: Tumor predisposition; Neoplastic Syndromes, Hereditary; Hereditary neoplastic syndrome; Hereditary Cancer Syndrome. Identifiers: Orphanet 140162, MedGen C0027672, MeSH D009386, MONDO:0015356.

Submission:

Ambry Genetics
Classification: Uncertain significance for Hereditary cancer-predisposing syndrome. Last evaluated: 2024-11-08. Review status: criteria provided, single submitter. Criteria: Ambry Variant Classification Scheme 2023. Collection method: clinical testing. Allele origin: germline.
Comment: The p.V1308L variant (also known as c.3922G>C), located in coding exon 32 of the TSC2 gene, results from a G to C substitution at nucleotide position 3922. The valine at codon 1308 is replaced by leucine, an amino acid with highly similar properties. This amino acid position is conserved. In addition, this alteration is predicted to be tolerated by in silico analysis. Based on the available evidence, the clinical significance of this variant remains unclear.

NM_000548.5(TSC2):c.3922G>C (p.Val1308Leu)

Gene: TSC2 (TSC complex subunit 2; plus strand). Cytogenetic location: 16p13.3.
Variant type: single nucleotide variant.
Coding change: c.3922G>C on transcript NM_000548.5 (MANE Select); coding-DNA position 3922, G replaced by C.
Protein change: p.Val1308Leu; replaces valine 1308 with leucine.
Molecular consequence: missense variant. On other transcripts: non-coding transcript variant (5).
Genome position (GRCh38, 1-based): chr16:2,083,733, G>C. VCF-style: chr16-2083733-G-C. GRCh37 (hg19) VCF-style: chr16-2133734-G-C.
Other names: c.3793G>C, p.Val1265Leu (NM_001370405.1, NM_021055.3); c.3919G>C, p.Val1307Leu (NM_001406663.1); c.3850G>C, p.Val1284Leu (NM_001406664.1); c.3844G>C, p.Val1282Leu (NM_001406665.1); c.3811G>C, p.Val1271Leu (NM_001406668.1); c.3742G>C, p.Val1248Leu (NM_001406670.1); c.3712G>C, p.Val1238Leu (NM_001406671.1); c.3814G>C, p.Val1272Leu (NM_001406667.1); and 26 more; short protein forms V1085L, V1088L, V1192L, V1205L, V1236L, V1242L, V1248L, V1272L.
Identifiers: ClinVar variation 3462529 (VCV003462529.1).